The following is an entry in ClinVar:

NM_005591.4(MRE11):c.1179A>T (p.Lys393Asn)

Gene: MRE11 (MRE11 double strand break repair nuclease; minus strand). Cytogenetic location: 11q21.
Variant type: single nucleotide variant.
Coding change: c.1179A>T on transcript NM_005591.4 (MANE Select); coding-DNA position 1179, A replaced by T.
Protein change: p.Lys393Asn; replaces lysine 393 with asparagine.
Molecular consequence: missense variant.
Genome position (GRCh38, 1-based): chr11:94,464,159, T>A on the plus strand (A>T on the coding strand, the complement: MRE11 is on the minus strand). VCF-style: chr11-94464159-T-A. GRCh37 (hg19) VCF-style: chr11-94197325-T-A.
Other names: c.1179A>T, p.Lys393Asn (NM_001330347.2, NM_005590.4); short protein forms K393N.
Identifiers: ClinVar variation 2586220 (VCV002586220.2), dbSNP rs2496426465, ClinGen allele CA382372805.
Genomic context (GRCh38, chr11:94,464,159, plus strand): 5'-AATAACTAGCTTACCTGTTTTTTCCTTTTGTTCTCTATGCCTGAAAAAATGGATAATGTC[T>A]TTTGGATTAGCTACCCGATCCACAAATTTCTGGCTAAAGCGAAGAACACTGAAAGGTTCA-3'
Protein context (NP_005582.1, residues 383-403): QKFVDRVANP[Lys393Asn]DIIHFFRHRE

ClinVar aggregate classification (germline): Uncertain significance (1 of 4 stars; one submission).

Conditions:
Hereditary cancer-predisposing syndrome. Also called: Hereditary neoplastic syndrome; Tumor predisposition; Hereditary Cancer Syndrome; Neoplastic Syndromes, Hereditary. Identifiers: Orphanet 140162, MedGen C0027672, MeSH D009386, MONDO:0015356.

Submission:

Ambry Genetics
Classification: Uncertain significance for Hereditary cancer-predisposing syndrome. Last evaluated: 2023-09-14. Review status: criteria provided, single submitter. Criteria: Ambry Variant Classification Scheme 2023. Collection method: clinical testing. Allele origin: germline.
Comment: The p.K393N variant (also known as c.1179A>T), located in coding exon 10 of the MRE11A gene, results from an A to T substitution at nucleotide position 1179. The lysine at codon 393 is replaced by asparagine, an amino acid with similar properties. This amino acid position is conserved. In addition, this alteration is predicted to be tolerated by in silico analysis. Since supporting evidence is limited at this time, the clinical significance of this alteration remains unclear.